The following is an entry in ClinVar:

NM_000465.4(BARD1):c.786_799del (p.Ser263fs)

Gene: BARD1 (BRCA1 associated RING domain 1; minus strand). Cytogenetic location: 2q35.
Variant type: Deletion.
Coding change: c.786_799del on transcript NM_000465.4 (MANE Select); coding-DNA positions 786 to 799, 14 bases deleted (AAGTGGCTCCTTGA).
Protein change: p.Ser263fs; shifts the reading frame from serine 263.
Molecular consequence: frameshift variant. On other transcripts: non-coding transcript variant (2), intron variant (3).
Genome position (GRCh38, 1-based): chr2:214,781,075-214,781,088, TCAAGGAGCCACTT deleted on the plus strand (AAGTGGCTCCTTGA on the coding strand, the reverse complement: BARD1 is on the minus strand). VCF-style (leftmost placement, unchanged base first): chr2-214781074-GTCAAGGAGCCACTT-G. GRCh37 (hg19) VCF-style: chr2-215645798-GTCAAGGAGCCACTT-G.
Other names: c.729_742del, p.Ser244fs (NM_001282543.2); c.158+28324_158+28337del (NM_001282548.2); c.215+15973_215+15986del (NM_001282545.2); c.364+11209_364+11222del (NM_001282549.2); short protein forms S263fs, S244fs.
Identifiers: ClinVar variation 4621795 (VCV004621795.1).

ClinVar aggregate classification (germline): Pathogenic (1 of 4 stars; one submission).

Conditions:
Hereditary cancer-predisposing syndrome. Also called: Neoplastic Syndromes, Hereditary; Tumor predisposition; Hereditary Cancer Syndrome; Hereditary neoplastic syndrome. Identifiers: Orphanet 140162, MedGen C0027672, MeSH D009386, MONDO:0015356.

Submission:

Ambry Genetics
Classification: Pathogenic for Hereditary cancer-predisposing syndrome. Last evaluated: 2025-11-26. Review status: criteria provided, single submitter. Criteria: Ambry Variant Classification Scheme 2023. Collection method: clinical testing. Allele origin: germline.
Comment: The c.786_799del14 pathogenic mutation, located in coding exon 4 of the BARD1 gene, results from a deletion of 14 nucleotides at nucleotide positions 786 to 799, causing a translational frameshift with a predicted alternate stop codon (p.S263Rfs*3). This variant is considered to be rare based on population cohorts in the Genome Aggregation Database (gnomAD). This alteration is expected to result in loss of function by premature protein truncation or nonsense-mediated mRNA decay. As such, this alteration is interpreted as a disease-causing mutation.